The following is an entry in ClinVar:

ClinVar aggregate classification (germline): Uncertain significance (1 of 4 stars; one submission).

Conditions:
Bardet-Biedl syndrome (BBS). Identifiers: Orphanet 110, MedGen C0752166, MONDO:0015229.

Submission:

Labcorp Genetics (formerly Invitae), Labcorp
Classification: Uncertain significance for Bardet-Biedl syndrome. Last evaluated: 2022-05-09. Review status: criteria provided, single submitter. Criteria: Invitae Variant Classification Sherloc (09022015). Collection method: clinical testing. Allele origin: germline.
Comment: This sequence change replaces tyrosine, which is neutral and polar, with cysteine, which is neutral and slightly polar, at codon 455 of the TTC8 protein (p.Tyr455Cys). This variant is not present in population databases (gnomAD no frequency). This variant has not been reported in the literature in individuals affected with TTC8-related conditions. Algorithms developed to predict the effect of missense changes on protein structure and function are either unavailable or do not agree on the potential impact of this missense change (SIFT: "Deleterious"; PolyPhen-2: "Probably Damaging"; Align-GVGD: "Class C0"). In summary, the available evidence is currently insufficient to determine the role of this variant in disease. Therefore, it has been classified as a Variant of Uncertain Significance.

NM_144596.4(TTC8):c.1394A>G (p.Tyr465Cys)

Gene: TTC8 (tetratricopeptide repeat domain 8; plus strand). Cytogenetic location: 14q31.3.
Variant type: single nucleotide variant.
Coding change: c.1394A>G on transcript NM_144596.4 (MANE Select); coding-DNA position 1394, A replaced by G.
Protein change: p.Tyr465Cys; replaces tyrosine 465 with cysteine.
Molecular consequence: missense variant. On other transcripts: non-coding transcript variant (1), intron variant (2).
Genome position (GRCh38, 1-based): chr14:88,875,072, A>G. VCF-style: chr14-88875072-A-G. GRCh37 (hg19) VCF-style: chr14-89341416-A-G.
Other names: c.1442A>G, p.Tyr481Cys (NM_001288781.1); c.800A>G, p.Tyr267Cys (NM_001288782.1); c.677A>G, p.Tyr226Cys (NM_001288783.1); c.1364A>G, p.Tyr455Cys (NM_198309.3); c.1274A>G, p.Tyr425Cys (NM_198310.3); c.1318-2222A>G (NM_001366535.2); c.1228-2222A>G (NM_001366536.2); short protein forms Y465C, Y267C, Y455C, Y481C, Y226C, Y425C.
Identifiers: ClinVar variation 2135908 (VCV002135908.1), dbSNP rs2546243046, ClinGen allele CA390554098.